The following is an entry in ClinVar:

GRCh38/hg38 4p16.3-16.1(chr4:51519-8222798)x3

Genes: LRPAP1 (LDL receptor related protein associated protein 1; minus strand), LYAR (Ly1 antibody reactive; minus strand), MAEA (macrophage erythroblast attacher, E3 ubiquitin ligase; plus strand), MAN2B2 (mannosidase alpha class 2B member 2; plus strand), MIR378D1 (microRNA 378d-1; minus strand) and 468 more. Cytogenetic location: 4p16.3-16.1.
Variant type: copy number gain.
Change: copy number 3 (three copies instead of two) of chr4:51,519-8,222,798 (8.17 Mb, GRCh38 coordinates, 1-based), cytogenetic band 4p16.3-16.1.
Identifiers: ClinVar variation 57239 (VCV000057239.1).

ClinVar aggregate classification (germline): Pathogenic (1 of 4 stars; one submission).

Submission:

ISCA site 4
Classification: Pathogenic. Last evaluated: 2011-08-12. Review status: criteria provided, single submitter. Criteria: Kaminsky et al. (Genet Med. 2011). Collection method: clinical testing. Allele origin: unknown. Affected: yes. Observed: 1 variant allele.
Comment: Copy number variation identified through the course of routine clinical cytogenomic testing in postnatal populations. Clinical assertions have been curated as described in Kaminsky et al. 2011.